The following is an entry in ClinVar:

NM_000059.4(BRCA2):c.6476A>C (p.Gln2159Pro)

Gene: BRCA2 (BRCA2 DNA repair associated; plus strand). Cytogenetic location: 13q13.1.
Variant type: single nucleotide variant.
Coding change: c.6476A>C on transcript NM_000059.4 (MANE Select); coding-DNA position 6476, A replaced by C.
Protein change: p.Gln2159Pro; replaces glutamine 2159 with proline.
Molecular consequence: missense variant.
Genome position (GRCh38, 1-based): chr13:32,340,831, A>C. VCF-style: chr13-32340831-A-C. GRCh37 (hg19) VCF-style: chr13-32914968-A-C.
Other names: short protein forms Q2159P.
Identifiers: ClinVar variation 441295 (VCV000441295.13), dbSNP rs763486267, ClinGen allele CA6940959.

ClinVar aggregate classification (germline): Conflicting classifications of pathogenicity. Review status: criteria provided, conflicting classifications (1 of 4 stars). 3 submissions from 3 submitters: Uncertain significance (2); Likely benign (1). Last evaluated 2023-03-23.

Conditions:
Hereditary cancer-predisposing syndrome. Also called: Hereditary Cancer Syndrome; Hereditary neoplastic syndrome; Neoplastic Syndromes, Hereditary; Tumor predisposition. Identifiers: Orphanet 140162, MedGen C0027672, MeSH D009386, MONDO:0015356.
Hereditary breast ovarian cancer syndrome. Also called: Hereditary breast and ovarian cancer; Breast and ovarian cancer; Hereditary breast and ovarian cancer syndrome; Hereditary breast and/or ovarian cancer syndrome; BRCA1- and BRCA2-Associated Hereditary Breast and Ovarian Cancer; Hereditary breast and ovarian cancer syndrome (HBOC). Identifiers: Orphanet 145, MedGen C0677776, MeSH D061325, MONDO:0003582. Disease mechanism: loss of function.

Allele frequency attached by ClinVar (database versions not stated): ExAC 0.00001.
gnomAD v4.1: 1 of 1,590,168 alleles (0.000063%); highest among the groups gnomAD compares: Non-Finnish European, 0.000085%; no homozygotes.

Submissions (3):

University of Washington Department of Laboratory Medicine, University of Washington
Classification: Likely benign for Hereditary cancer-predisposing syndrome. Last evaluated: 2023-03-23. Review status: criteria provided, single submitter. Criteria: Dines et al. (Genet Med. 2020). Collection method: curation. Allele origin: germline.
Comment: Missense variant in a coldspot region where missense variants are very unlikely to be pathogenic (PMID:31911673).

BRCA2 exon 11 coldspot. Reclassification based on statistical prior probability.

Ambry Genetics
Classification: Uncertain significance for Hereditary cancer-predisposing syndrome. Last evaluated: 2023-01-13. Review status: criteria provided, single submitter. Criteria: Ambry Variant Classification Scheme 2023. Collection method: clinical testing. Allele origin: germline.
Comment: The p.Q2159P variant (also known as c.6476A>C), located in coding exon 10 of the BRCA2 gene, results from an A to C substitution at nucleotide position 6476. The glutamine at codon 2159 is replaced by proline, an amino acid with similar properties. This amino acid position is poorly conserved in available vertebrate species. In addition, the in silico prediction for this alteration is inconclusive. Since supporting evidence is limited at this time, the clinical significance of this alteration remains unclear.

Labcorp Genetics (formerly Invitae), Labcorp
Classification: Uncertain significance for Hereditary breast ovarian cancer syndrome. Last evaluated: 2022-08-08. Review status: criteria provided, single submitter. Criteria: Invitae Variant Classification Sherloc (09022015). Collection method: clinical testing. Allele origin: germline.
Comment: ClinVar contains an entry for this variant (Variation ID: 441295). In summary, the available evidence is currently insufficient to determine the role of this variant in disease. Therefore, it has been classified as a Variant of Uncertain Significance. Advanced modeling of protein sequence and biophysical properties (such as structural, functional, and spatial information, amino acid conservation, physicochemical variation, residue mobility, and thermodynamic stability) performed at Invitae indicates that this missense variant is not expected to disrupt BRCA2 protein function. This variant has not been reported in the literature in individuals affected with BRCA2-related conditions. This variant is present in population databases (rs763486267, gnomAD 0.0009%). This sequence change replaces glutamine, which is neutral and polar, with proline, which is neutral and non-polar, at codon 2159 of the BRCA2 protein (p.Gln2159Pro).